The following is an entry in ClinVar:

ClinVar aggregate classification (germline): Uncertain significance (1 of 4 stars; one submission).

Conditions:
Hereditary cancer-predisposing syndrome. Also called: Neoplastic Syndromes, Hereditary; Tumor predisposition; Hereditary neoplastic syndrome; Hereditary Cancer Syndrome. Identifiers: Orphanet 140162, MedGen C0027672, MeSH D009386, MONDO:0015356.

Submission:

Ambry Genetics
Classification: Uncertain significance for Hereditary cancer-predisposing syndrome. Last evaluated: 2024-05-19. Review status: criteria provided, single submitter. Criteria: Ambry Variant Classification Scheme 2023. Collection method: clinical testing. Allele origin: germline.
Comment: The p.T308I variant (also known as c.923C>T), located in coding exon 8 of the TSC1 gene, results from a C to T substitution at nucleotide position 923. The threonine at codon 308 is replaced by isoleucine, an amino acid with similar properties. This amino acid position is conserved. In addition, the in silico prediction for this alteration is inconclusive. Based on the available evidence, the clinical significance of this variant remains unclear.

NM_000368.5(TSC1):c.923C>T (p.Thr308Ile)

Gene: TSC1 (TSC complex subunit 1; minus strand). Cytogenetic location: 9q34.13.
Variant type: single nucleotide variant.
Coding change: c.923C>T on transcript NM_000368.5 (MANE Select); coding-DNA position 923, C replaced by T.
Protein change: p.Thr308Ile; replaces threonine 308 with isoleucine.
Molecular consequence: missense variant. On other transcripts: 5 prime UTR variant (5), non-coding transcript variant (5).
Genome position (GRCh38, 1-based): chr9:132,911,559, G>A on the plus strand (C>T on the coding strand, the complement: TSC1 is on the minus strand). VCF-style: chr9-132911559-G-A. GRCh37 (hg19) VCF-style: chr9-135786946-G-A.
Other names: c.923C>T, p.Thr308Ile (NM_001162426.2, NM_001406592.1, NM_001406593.1 and 16 more transcripts); c.770C>T, p.Thr257Ile (NM_001162427.2, NM_001406610.1, NM_001406611.1 and 2 more transcripts); c.560C>T, p.Thr187Ile (NM_001362177.2, NM_001406618.1, NM_001406619.1 and 10 more transcripts); c.-29C>T (NM_001406626.1, NM_001406627.1, NM_001406628.1); c.-171C>T (NM_001406629.1, NM_001406630.1); short protein forms T187I, T257I, T308I.
Identifiers: ClinVar variation 3329438 (VCV003329438.1).
Genomic context (GRCh38, chr9:132,911,559, plus strand): 5'-TGAGGTAGCTGCCCTGGCATATTTAACAACATCAGCCGAGACGTGGAGTAAGGGGTAGAA[G>A]TAGCACACCCTAAAATGGAAGAGAAGAACACAGGGGGTTAGTGTGTGGTTTTAGGTTATT-3'
Protein context (NP_000359.1, residues 298-318): ADTQNSYGCA[Thr308Ile]STPYSTSRLM